The following is an entry in ClinVar:

NM_004304.5(ALK):c.3313_3316dup (p.Ser1106fs)

Gene: ALK (ALK receptor tyrosine kinase; minus strand). Cytogenetic location: 2p23.2.
Variant type: Duplication.
Coding change: c.3313_3316dup on transcript NM_004304.5 (MANE Select); coding-DNA positions 3313 to 3316, 4 bases duplicated (ATCA; older notation c.3313_3316dupATCA).
Protein change: p.Ser1106fs; shifts the reading frame from serine 1106.
Molecular consequence: frameshift variant.
Genome position (GRCh38, 1-based): chr2:29,223,385-29,223,388, TGAT duplicated on the plus strand (ATCA on the coding strand, the reverse complement: ALK is on the minus strand). VCF-style (leftmost placement, unchanged base first): chr2-29223384-C-CTGAT. GRCh37 (hg19) VCF-style: chr2-29446250-C-CTGAT.
Other names: c.109_112dup, p.Ser38fs (NM_001353765.2); short protein forms S38fs, S1106fs.
Identifiers: ClinVar variation 3727050 (VCV003727050.2).

ClinVar aggregate classification (germline): Uncertain significance (1 of 4 stars; one submission).

Conditions:
Neuroblastoma, susceptibility to, 3. Also called: ALK-Related Neuroblastic Tumor Susceptibility. Identifiers: Orphanet 635, MedGen C2751681, MONDO:0013083, OMIM 613014.

Submission:

Labcorp Genetics (formerly Invitae), Labcorp
Classification: Uncertain significance for Neuroblastoma, susceptibility to, 3. Last evaluated: 2024-12-12. Review status: criteria provided, single submitter. Criteria: Invitae Variant Classification Sherloc (09022015). Collection method: clinical testing. Allele origin: germline.
Comment: This sequence change creates a premature translational stop signal (p.Ser1106Asnfs*3) in the ALK gene. It is expected to result in an absent or disrupted protein product. However, the current clinical and genetic evidence is not sufficient to establish whether loss-of-function variants in ALK cause disease. This variant is not present in population databases (gnomAD no frequency). This variant has not been reported in the literature in individuals affected with ALK-related conditions. In summary, the available evidence is currently insufficient to determine the role of this variant in disease. Therefore, it has been classified as a Variant of Uncertain Significance.